The following is an entry in ClinVar:

NM_013432.5(TONSL):c.2270A>G (p.Gln757Arg)

Genes: TONSL (tonsoku like, DNA repair protein; minus strand), TONSL-AS1 (TONSL antisense RNA 1; plus strand). Cytogenetic location: 8q24.3.
Variant type: single nucleotide variant.
Coding change: c.2270A>G on transcript NM_013432.5 (MANE Select); coding-DNA position 2270, A replaced by G.
Protein change: p.Gln757Arg; replaces glutamine 757 with arginine.
Molecular consequence: missense variant.
Genome position (GRCh38, 1-based): chr8:144,436,163, T>C on the plus strand (A>G on the coding strand, the complement: TONSL is on the minus strand). VCF-style: chr8-144436163-T-C. GRCh37 (hg19) VCF-style: chr8-145661546-T-C.
Other names: short protein forms Q757R.
Identifiers: ClinVar variation 2100870 (VCV002100870.4), dbSNP rs1823447464, ClinGen allele CA372656405.

ClinVar aggregate classification (germline): Uncertain significance (1 of 4 stars; one submission).

Allele frequency attached by ClinVar (database versions not stated): gnomAD exomes below 0.00001; TOPMed below 0.00001; gnomAD 0.00001.
gnomAD v4.1: 3 of 1,574,916 alleles (0.00019%); highest among the groups gnomAD compares: Middle Eastern, 0.017%; no homozygotes.

Submission:

Labcorp Genetics (formerly Invitae), Labcorp
Classification: Uncertain significance. Last evaluated: 2022-09-07. Review status: criteria provided, single submitter. Criteria: Invitae Variant Classification Sherloc (09022015). Collection method: clinical testing. Allele origin: germline.
Comment: This sequence change replaces glutamine, which is neutral and polar, with arginine, which is basic and polar, at codon 757 of the TONSL protein (p.Gln757Arg). This variant is not present in population databases (gnomAD no frequency). This variant has not been reported in the literature in individuals affected with TONSL-related conditions. Algorithms developed to predict the effect of missense changes on protein structure and function output the following: SIFT: "Tolerated"; PolyPhen-2: "Benign"; Align-GVGD: "Class C0". The arginine amino acid residue is found in multiple mammalian species, which suggests that this missense change does not adversely affect protein function. In summary, the available evidence is currently insufficient to determine the role of this variant in disease. Therefore, it has been classified as a Variant of Uncertain Significance.